The following is an entry in ClinVar:

NM_001184880.2(PCDH19):c.3269C>A (p.Pro1090Gln)

Gene: PCDH19 (protocadherin 19; minus strand). Cytogenetic location: Xq22.1.
Variant type: single nucleotide variant.
Coding change: c.3269C>A on transcript NM_001184880.2 (MANE Select); coding-DNA position 3269, C replaced by A.
Protein change: p.Pro1090Gln; replaces proline 1090 with glutamine.
Molecular consequence: missense variant.
Genome position (GRCh38, 1-based): chrX:100,296,455, G>T on the plus strand (C>A on the coding strand, the complement: PCDH19 is on the minus strand). VCF-style: chrX-100296455-G-T. GRCh37 (hg19) VCF-style: chrX-99551453-G-T.
Other names: c.3128C>A, p.Pro1043Gln (NM_001105243.2); c.3125C>A, p.Pro1042Gln (NM_020766.3); short protein forms P1090Q, P1042Q, P1043Q.
Identifiers: ClinVar variation 2096040 (VCV002096040.4), dbSNP rs2520443526, ClinGen allele CA413999680.

ClinVar aggregate classification (germline): Uncertain significance (1 of 4 stars; one submission).

Conditions:
Developmental and epileptic encephalopathy, 9 (DEE9). Also called: Early infantile epileptic encephalopathy 9; JUBERG-HELLMAN SYNDROME; EPILEPSY, FEMALE-RESTRICTED, WITH MENTAL RETARDATION; PCDH19-Related X-Linked Female-Limited Epilepsy with Mental Retardation. Identifiers: Orphanet 101039, Orphanet 2076, MedGen C1848137, MONDO:0010246, OMIM 300088. Disease mechanism: loss of function.

Submission:

Labcorp Genetics (formerly Invitae), Labcorp
Classification: Uncertain significance for Developmental and epileptic encephalopathy, 9. Last evaluated: 2022-04-17. Review status: criteria provided, single submitter. Criteria: Invitae Variant Classification Sherloc (09022015). Collection method: clinical testing. Allele origin: germline.
Comment: This sequence change replaces proline, which is neutral and non-polar, with glutamine, which is neutral and polar, at codon 1090 of the PCDH19 protein (p.Pro1090Gln). This variant is not present in population databases (gnomAD no frequency). This variant has not been reported in the literature in individuals affected with PCDH19-related conditions. Advanced modeling of protein sequence and biophysical properties (such as structural, functional, and spatial information, amino acid conservation, physicochemical variation, residue mobility, and thermodynamic stability) performed at Invitae indicates that this missense variant is not expected to disrupt PCDH19 protein function. In summary, the available evidence is currently insufficient to determine the role of this variant in disease. Therefore, it has been classified as a Variant of Uncertain Significance.